The following is an entry in ClinVar:

NM_000369.5(TSHR):c.357T>A (p.Pro119=)

Genes: TSHR (thyroid stimulating hormone receptor; plus strand), TSHR-AS1 (TSHR antisense RNA 1; minus strand). Cytogenetic location: 14q31.1.
Variant type: single nucleotide variant.
Coding change: c.357T>A on transcript NM_000369.5 (MANE Select); coding-DNA position 357, T replaced by A.
Protein change: p.Pro119=; no amino-acid change (proline 119 retained).
Molecular consequence: synonymous variant.
Genome position (GRCh38, 1-based): chr14:81,087,993, T>A. VCF-style: chr14-81087993-T-A. GRCh37 (hg19) VCF-style: chr14-81554337-T-A.
Other names: c.357T>A, p.Pro119= (NM_001018036.3, NM_001142626.3).
Identifiers: ClinVar variation 314692 (VCV000314692.43), dbSNP rs144084915, ClinGen allele CA7294098.

ClinVar aggregate classification (germline): Conflicting classifications of pathogenicity. Review status: criteria provided, conflicting classifications (1 of 4 stars). 8 submissions from 7 submitters: Uncertain significance (2); Benign (3); Likely benign (3). Last evaluated 2026-09-01.

Conditions:
Familial hyperthyroidism due to mutations in TSH receptor. Also called: TOXIC THYROID HYPERPLASIA, AUTOSOMAL DOMINANT; HYPERTHYROIDISM, CONGENITAL NONAUTOIMMUNE; HYPERTHYROIDISM, NONAUTOIMMUNE, AUTOSOMAL DOMINANT. Identifiers: Orphanet 424, MedGen C1836706, MONDO:0012203, OMIM 609152.
Hypothyroidism due to TSH receptor mutations. Also called: Hypothyroidism, congenital, nongoitrous, 1; HYPOTHYROIDISM DUE TO UNRESPONSIVENESS TO THYROTROPIN; HYPOTHYROIDISM, CONGENITAL, DUE TO TSH RESISTANCE; HYPOTHYROIDISM, NONAUTOIMMUNE; THYROID-STIMULATING HORMONE, RESISTANCE TO; TSH RESISTANCE. Identifiers: Orphanet 90673, MedGen C3493776, MONDO:0010142, OMIM 275200.

Allele frequency attached by ClinVar (database versions not stated): 1000 Genomes Project 30x 0.00125; 1000 Genomes Project 0.00160; gnomAD 0.00168; gnomAD exomes 0.00175; ExAC 0.00196; TOPMed 0.00201; ESP Exome Variant Server 0.00300.
gnomAD v4.1: 4,107 of 1,613,932 alleles (0.25%); highest among the groups gnomAD compares: Non-Finnish European, 0.3%; 11 homozygotes.

Submissions (8):

CeGaT Center for Human Genetics Tuebingen
Classification: Likely benign. Last evaluated: 2026-09-01. Review status: criteria provided, single submitter. Criteria: CeGaT Center For Human Genetics Tuebingen Variant Classification Criteria Version 2. Collection method: clinical testing. Allele origin: germline. Affected: yes. Observed: 7 variant alleles.
Comment: TSHR: BP4, BP7

Labcorp Genetics (formerly Invitae), Labcorp
Classification: Benign. Last evaluated: 2026-01-26. Review status: criteria provided, single submitter. Criteria: Invitae Variant Classification Sherloc (09022015). Collection method: clinical testing. Allele origin: germline.

Blueprint Genetics
Classification: Likely benign. Last evaluated: 2024-11-27. Review status: criteria provided, single submitter. Criteria: ACMG Guidelines, 2015. Collection method: clinical testing. Allele origin: germline.

Women's Health and Genetics/Laboratory Corporation of America, LabCorp
Classification: Likely benign. Last evaluated: 2024-08-27. Review status: criteria provided, single submitter. Criteria: LabCorp Variant Classification Summary - May 2015. Collection method: clinical testing. Allele origin: germline.

Mendelics
Classification: Benign. Last evaluated: 2022-05-04. Review status: criteria provided, single submitter. Criteria: Mendelics Assertion Criteria 2019. Collection method: clinical testing. Allele origin: germline.

Illumina Laboratory Services, Illumina
Classification: Uncertain significance for Hypothyroidism due to TSH receptor mutations. Last evaluated: 2018-01-12. Review status: criteria provided, single submitter. Criteria: ICSL Variant Classification Criteria 13 December 2019. Collection method: clinical testing. Allele origin: germline.

Illumina Laboratory Services, Illumina
Classification: Benign for Familial hyperthyroidism due to mutations in TSH receptor. Last evaluated: 2018-01-12. Review status: criteria provided, single submitter. Criteria: ICSL Variant Classification Criteria 13 December 2019. Collection method: clinical testing. Allele origin: germline.
Comment: This variant was observed in the ICSL laboratory as part of a predisposition screen in an ostensibly healthy population. It had not been previously curated by ICSL or reported in the Human Gene Mutation Database (HGMD: prior to June 1st, 2018), and was therefore a candidate for classification through an automated scoring system. Utilizing variant allele frequency, disease prevalence and penetrance estimates, and inheritance mode, an automated score was calculated to assess if this variant is too frequent to cause the disease. Based on the score and internal cut-off values, a variant classified as benign is not then subjected to further curation. The score for this variant resulted in a classification of benign for this disease.

Genetic Services Laboratory, University of Chicago
Classification: Uncertain significance. Last evaluated: 2016-11-07. Review status: criteria provided, single submitter. Criteria: ACMG Guidelines, 2015. Collection method: clinical testing. Allele origin: germline. Affected: no.